The following is an entry in ClinVar:

NM_000090.4(COL3A1):c.3417+4A>G

Gene: COL3A1 (collagen type III alpha 1 chain; plus strand). Cytogenetic location: 2q32.2.
Variant type: single nucleotide variant.
Coding change: c.3417+4A>G on transcript NM_000090.4 (MANE Select); 4 bases into the intron after coding-DNA position 3417, A replaced by G.
Molecular consequence: intron variant.
Genome position (GRCh38, 1-based): chr2:189,007,942, A>G. VCF-style: chr2-189007942-A-G. GRCh37 (hg19) VCF-style: chr2-189872668-A-G.
Identifiers: ClinVar variation 3071035 (VCV003071035.1), dbSNP rs2469163136, ClinGen allele CA2577185969.

ClinVar aggregate classification (germline): Uncertain significance (1 of 4 stars; one submission).

Conditions:
Ehlers-Danlos syndrome, type 4 (EDSVASC). Also called: Ehlers-Danlos Syndrome Type IV; Ehlers-Danlos syndrome vascular type; Ehlers Danlos syndrome, ecchymotic type; Ehlers Danlos syndrome, arterial type; Ehlers Danlos syndrome, Sack-Barabas type. Identifiers: Orphanet 286, MedGen C0268338, MONDO:0017314, OMIM 130050.

gnomAD v4.1: 1 of 1,614,162 alleles (0.000062%); highest among the groups gnomAD compares: Non-Finnish European, 0.000085%; no homozygotes.

Submission:

All of Us Research Program, National Institutes of Health
Classification: Uncertain significance for Ehlers-Danlos syndrome, type 4. Last evaluated: 2023-10-06. Review status: criteria provided, single submitter. Criteria: ACMG Guidelines, 2015. Collection method: clinical testing. Allele origin: germline. Inheritance: Autosomal dominant inheritance. Observed: 2 variant alleles, 2 heterozygotes.
Comment: This variant causes an A to G nucleotide substitution at the +4 position of intron 46 of the COL3A1 gene. To our knowledge, functional studies have not been reported for this variant. This variant has not been reported in individuals affected with COL3A1-related disorders in the literature. This variant has not been identified in the general population by the Genome Aggregation Database (gnomAD). The available evidence is insufficient to determine the role of this variant in disease conclusively. Therefore, this variant is classified as a Variant of Uncertain Significance.

This study involves interpretation of variants in research participants for the purpose of population health screening. Participant phenotype was not available at the time of variant classification. Additional details can be found in publication PMID: 35346344, PMCID: PMC8962531